The following is an entry in ClinVar:

NM_006019.4(TCIRG1):c.1249G>A (p.Ala417Thr)

Gene: TCIRG1 (T cell immune regulator 1, ATPase H+ transporting V0 subunit a3; plus strand). Cytogenetic location: 11q13.2.
Variant type: single nucleotide variant.
Coding change: c.1249G>A on transcript NM_006019.4 (MANE Select); coding-DNA position 1249, G replaced by A.
Protein change: p.Ala417Thr; replaces alanine 417 with threonine.
Molecular consequence: missense variant.
Genome position (GRCh38, 1-based): chr11:68,047,516, G>A. VCF-style: chr11-68047516-G-A. GRCh37 (hg19) VCF-style: chr11-67814983-G-A.
Other names: c.355G>A, p.Ala119Thr (NM_001351059.2); c.601G>A, p.Ala201Thr (NM_006053.4); short protein forms A417T, A201T, A119T.
Identifiers: ClinVar variation 235702 (VCV000235702.60), dbSNP rs140963213, ClinGen allele CA6147031.

ClinVar aggregate classification (germline): Conflicting classifications of pathogenicity. Review status: criteria provided, conflicting classifications (1 of 4 stars). 14 submissions from 13 submitters: Uncertain significance (9); Likely benign (2). 3 of the submissions do not count toward it. Last evaluated 2026-07-01.

Conditions:
Disorder of bone. Also called: Rare bone disease related to a common gene or pathway defect; Bone disorder; Bone disease. Identifiers: Orphanet 364803, MedGen C0005940, MONDO:0005381.
TCIRG1-related disorder. Also called: TCIRG1-related condition.
Neutropenia, severe congenital, 1, autosomal dominant. Identifiers: MedGen C1859966, MONDO:0042490, OMIM 202700.
Autosomal recessive osteopetrosis 1. Also called: TCIRG1-Related Osteopetrosis; ALBERS-SCHONBERG DISEASE, AUTOSOMAL RECESSIVE; TCIRG1-Related Autosomal Recessive Osteopetrosis. Identifiers: Orphanet 667, MedGen C1850127, MONDO:0009815, OMIM 259700.

Allele frequency attached by ClinVar (database versions not stated): TOPMed 0.00274; gnomAD 0.00275 and 0.00267; ESP Exome Variant Server 0.00362; 1000 Genomes Project 0.00120; 1000 Genomes Project 30x 0.00141; ExAC 0.00244; gnomAD exomes 0.00254.

Submissions (14):

CeGaT Center for Human Genetics Tuebingen
Classification: Likely benign. Last evaluated: 2026-07-01. Review status: criteria provided, single submitter. Criteria: CeGaT Center For Human Genetics Tuebingen Variant Classification Criteria Version 2. Collection method: clinical testing. Allele origin: germline. Affected: yes. Observed: 7 variant alleles.
Comment: TCIRG1: BS2

PreventionGenetics, part of Exact Sciences
Classification: Uncertain significance for TCIRG1-related condition. Last evaluated: 2026-04-23. Review status: criteria provided, single submitter. Criteria: ACMG Guidelines, 2015. Collection method: clinical testing. Allele origin: germline.
Comment: The TCIRG1 c.1249G>A variant is predicted to result in the amino acid substitution p.Ala417Thr. This variant was reported in a cohort of patients with osteopetrosis; however, no additional clinical or functional information was provided to assess the pathogenicity of this variant (Pangrazio et al. 2012. PubMed ID: 22231430). In addition, this variant has been reported the compound heterozygous state with the TCIRG1 c.1735G>A (p.Gly579Arg) variant in at least three patients with osteopetrosis (Jaber et al. 2022. PubMed ID: 35802155; siblings reported in Afshariyamchlou et al. 2022. PubMed ID: 35720663).This variant is reported in 0.43% of alleles in individuals of European (Non-Finnish) descent in gnomAD including 2 homozygous inviduals which is more frequent than expected for disease-causing variants in this gene. This variant has conflicting intepretations in ClinVar ranging from uncertain to benign (Variation ID: 235702). Although we suspect that this variant may be benign, at this time, the clinical significance of this variant is uncertain due to the absence of conclusive functional and genetic evidence.

Labcorp Genetics (formerly Invitae), Labcorp
Classification: Likely benign. Last evaluated: 2026-02-04. Review status: criteria provided, single submitter. Criteria: Invitae Variant Classification Sherloc (09022015). Collection method: clinical testing. Allele origin: germline.

Genome Diagnostics Laboratory, The Hospital for Sick Children
Classification: Uncertain significance for Disorder of bone. Last evaluated: 2025-11-12. Review status: criteria provided, single submitter. Criteria: ACMG Guidelines, 2015. Collection method: clinical testing. Allele origin: germline. Affected: yes.
Comment: This missense variant results in a change of alanine to threonine at position 417, and in silico programs predict this variant to be damaging. This variant was observed in individuals with autosomal recessive osteopetrosis disorder (PMID: 22231430; PMID: 26264438; PMID: 35720663; PMID: 35802155). This variant is observed at an allele frequency of 0.38% (6106 of 1613942 alleles) in populations of the Genome Aggregation Database (gnomAD), including 14 homozygotes. Based on the evidence above, this variant is classified as a variant of uncertain significance (ACMG criteria - BS1, BS2m, PM3, PP3)

St. Jude Molecular Pathology, St. Jude Children's Research Hospital
Classification: Uncertain significance for Autosomal recessive osteopetrosis 1. Last evaluated: 2025-01-26. Review status: criteria provided, single submitter. Criteria: St. Jude Assertion Criteria 2020. Collection method: clinical testing. Allele origin: germline.
Comment: The TCIRG1 c.1249G>A (p.Ala417Thr) missense change has a maximum subpopulation frequency of 0.43% in gnomAD v2.1.1. The in silico tool REVEL predicts a deleterious effect on protein function, but to our knowledge this prediction has not been confirmed by functional studies. This variant has been reported in individuals with autosomal recessive osteopetrosis (PMID: 22231430, 35720663, 35802155). This variant has also been associated with high-risk glioma (PMID: 26264438) and lower neutrophil count (PMID: 27229898). To our knowledge, this variant has not been reported in individuals with severe congenital neutropenia. In summary, the evidence currently available is insufficient to determine the clinical significance of this variant. It has therefore been classified as of uncertain significance.

Blueprint Genetics
Classification: Uncertain significance. Last evaluated: 2024-11-23. Review status: criteria provided, single submitter. Criteria: ACMG Guidelines, 2015. Collection method: clinical testing. Allele origin: germline.

St. Jude Molecular Pathology, St. Jude Children's Research Hospital
Classification: Uncertain significance for Neutropenia, severe congenital, 1, autosomal dominant. Last evaluated: 2024-01-02. Review status: criteria provided, single submitter. Criteria: St. Jude Assertion Criteria 2020. Collection method: clinical testing. Allele origin: germline.
Comment: The TCIRG1 c.1249G>A (p.Ala417Thr) missense change has a maximum subpopulation frequency of 0.43% in gnomAD v2.1.1. The in silico tool REVEL predicts a deleterious effect on protein function, but to our knowledge this prediction has not been confirmed by functional studies. This variant has been reported in individuals with autosomal recessive osteopetrosis (PMID: 22231430, 35720663, 35802155). In summary, the evidence currently available is insufficient to determine the clinical significance of this variant. It has therefore been classified as of uncertain significance.

GeneDx
Classification: Uncertain significance. Last evaluated: 2023-05-18. Review status: criteria provided, single submitter. Criteria: GeneDx Variant Classification Process June 2021. Collection method: clinical testing. Allele origin: germline. Affected: yes.
Comment: Reported with another TCIRG1 variant in two families with osteopetrosis in published literature (Afshariyamchlou et al., 2022; Jaber et al., 2022); Reported in an additional patient in published literature with severe osteopetrosis; however, further information such as zygosity or presence of another variant was not provided (Pangrazio et al., 2012); Reported in published literature in association with other phenotypes, including lower absolute neutrophil count and risk for glioma, but additional research is needed to explore a possible link between TCIRG1 variants and these phenotypes (Rosenthal et al., 2016; Kinnersley et al., 2016); In silico analysis, which includes protein predictors and evolutionary conservation, supports a deleterious effect; This variant is associated with the following publications: (PMID: 34426522, 33206719, 26264438, 27229898, 35573728, 35802155, 35720663, 22231430)

Fulgent Genetics
Classification: Uncertain significance for Autosomal recessive osteopetrosis 1. Last evaluated: 2018-10-31. Review status: criteria provided, single submitter. Criteria: ACMG Guidelines, 2015. Collection method: clinical testing. Allele origin: unknown.

Illumina Laboratory Services, Illumina
Classification: Uncertain significance for Autosomal recessive osteopetrosis 1. Last evaluated: 2017-04-27. Review status: criteria provided, single submitter. Criteria: ICSL Variant Classification Criteria 13 December 2019. Collection method: clinical testing. Allele origin: germline.
Comment: This variant was observed as part of a predisposition screen in an ostensibly healthy population. A literature search was performed for the gene, cDNA change, and amino acid change (where applicable). Publications were found based on this search. However, the evidence from the literature, in combination with allele frequency data from public databases where available, was not sufficient to rule this variant in or out of causing disease. Therefore, this variant is classified as a variant of unknown significance.

Center for Pediatric Genomic Medicine, Children's Mercy Hospital and Clinics
Classification: Uncertain significance. Last evaluated: 2016-01-21. Review status: criteria provided, single submitter. Criteria: ACMG Guidelines, 2015. Collection method: clinical testing. Allele origin: germline.
ClinVar note: Converted during submission from Uncertain Significance to Uncertain significance.

Natera, Inc.
Classification: Benign for Infantile malignant osteopetrosis. Last evaluated: 2020-01-08. Review status: no assertion criteria provided. Collection method: clinical testing. Allele origin: germline. Not counted in ClinVar's aggregate classification.

Clinical Genetics DNA and cytogenetics Diagnostics Lab, Erasmus MC, Erasmus Medical Center
Classification: Uncertain significance. Review status: no assertion criteria provided. Collection method: clinical testing. Allele origin: germline. Affected: yes. Study: VKGL Data-share Consensus. Not counted in ClinVar's aggregate classification.

Department of Pathology and Laboratory Medicine, Sinai Health System
Classification: Uncertain significance. Review status: no assertion criteria provided. Collection method: clinical testing. Allele origin: unknown. Affected: yes. Study: The Canadian Open Genetics Repository (COGR). Not counted in ClinVar's aggregate classification.
Comment: The TCIRG1 p.Ala201Thr variant was not identified in the literature nor was it identified in Cosmic or LOVD 3.0. The variant was identified in dbSNP (ID: rs140963213) and in ClinVar (classified as a VUS by Center for Pediatric Genomic Medicine, Children's Mercy Hospital and Clinics and Fulgent Genetics for Osteopetrosis autosomal recessive 1). The variant was identified in control databases in 727 of 282162 chromosomes (2 homozygous) at a frequency of 0.002577 increasing the likelihood this could be a low frequency benign variant (Genome Aggregation Database Feb 27, 2017). The variant was observed in the following populations: European (non-Finnish) in 548 of 128706 chromosomes (freq: 0.004258), Ashkenazi Jewish in 26 of 10332 chromosomes (freq: 0.002516), Latino in 84 of 35396 chromosomes (freq: 0.002373), Other in 15 of 7212 chromosomes (freq: 0.00208), European (Finnish) in 25 of 25086 chromosomes (freq: 0.000997), African in 22 of 24876 chromosomes (freq: 0.000884), South Asian in 6 of 30616 chromosomes (freq: 0.000196) and East Asian in 1 of 19938 chromosomes (freq: 0.00005). The variant occurs outside of the splicing consensus sequence and in silico or computational prediction software programs (SpliceSiteFinder, MaxEntScan, NNSPLICE, GeneSplicer) do not predict a difference in splicing. The p.Ala201 residue is conserved across mammals and other organisms, and four out of five computational analyses (PolyPhen-2, SIFT, AlignGVGD, MutationTaster) suggest that the variant may impact the protein; however, this information is not predictive enough to assume pathogenicity. In summary, based on the above information the clinical significance of this variant cannot be determined with certainty at this time. This variant is classified as a variant of uncertain significance.

Literature cited by the submitters: PubMed 22231430 (cited by Genome Diagnostics Laboratory, The Hospital for Sick Children and Illumina Laboratory Services, Illumina); PubMed 26264438 (cited by Genome Diagnostics Laboratory, The Hospital for Sick Children and Illumina Laboratory Services, Illumina); PubMed 35720663 (cited by Genome Diagnostics Laboratory, The Hospital for Sick Children); PubMed 35802155 (cited by Genome Diagnostics Laboratory, The Hospital for Sick Children).